The following is an entry in ClinVar:

NM_004360.5(CDH1):c.735A>G (p.Pro245=)

Gene: CDH1 (cadherin 1; plus strand). Cytogenetic location: 16q22.1.
Variant type: single nucleotide variant.
Coding change: c.735A>G on transcript NM_004360.5 (MANE Select); coding-DNA position 735, A replaced by G.
Protein change: p.Pro245=; no amino-acid change (proline 245 retained).
Molecular consequence: synonymous variant. On other transcripts: 5 prime UTR variant (2).
Genome position (GRCh38, 1-based): chr16:68,810,244, A>G. VCF-style: chr16-68810244-A-G. GRCh37 (hg19) VCF-style: chr16-68844147-A-G.
Other names: c.735A>G, p.Pro245= (NM_001317184.2); c.-881A>G (NM_001317185.2); c.-1085A>G (NM_001317186.2).
Identifiers: ClinVar variation 3378651 (VCV003378651.2).

ClinVar aggregate classification (germline): Benign/Likely benign. Review status: criteria provided, multiple submitters, no conflicts (2 of 4 stars). 2 submissions from 2 submitters: Benign (1); Likely benign (1). Last evaluated 2025-03-09.

Conditions:
Hereditary diffuse gastric adenocarcinoma (HDGC). Also called: DIFFUSE GASTRIC AND LOBULAR BREAST CANCER SYNDROME. Identifiers: Orphanet 26106, MedGen C1708349, MONDO:0007648, OMIM 137215.
Hereditary cancer-predisposing syndrome. Also called: Hereditary Cancer Syndrome; Tumor predisposition; Hereditary neoplastic syndrome; Neoplastic Syndromes, Hereditary. Identifiers: Orphanet 140162, MedGen C0027672, MeSH D009386, MONDO:0015356.

Submissions (2):

Ambry Genetics
Classification: Likely benign for Hereditary cancer-predisposing syndrome. Last evaluated: 2025-03-09. Review status: criteria provided, single submitter. Criteria: Ambry Variant Classification Scheme 2023. Collection method: clinical testing. Allele origin: germline.

Myriad Genetics, Inc.
Classification: Benign for Hereditary diffuse gastric adenocarcinoma. Last evaluated: 2024-09-13. Review status: criteria provided, single submitter. Criteria: Myriad Autosomal Dominant, Autosomal Recessive and X-Linked Classification Criteria (2023). Collection method: clinical testing. Allele origin: unknown.
Comment: This variant is considered benign. This variant is a silent/synonymous amino acid change and it is not expected to impact splicing.